The following is an entry in ClinVar:

ClinVar aggregate classification (germline): Uncertain significance (1 of 4 stars; one submission).

Conditions:
Emery-Dreifuss muscular dystrophy 5, autosomal dominant (EDMD5). Also called: EMERY-DREIFUSS MUSCULAR DYSTROPHY 5. Identifiers: Orphanet 261, MedGen C2751805, MONDO:0013072, OMIM 612999.

Allele frequency attached by ClinVar (database versions not stated): gnomAD exomes below 0.00001 and 0.00001; TOPMed below 0.00001; gnomAD 0.00001.
gnomAD v4.1: 16 of 1,613,876 alleles (0.00099%); highest among the groups gnomAD compares: Non-Finnish European, 0.0014%; no homozygotes.

Submission:

Labcorp Genetics (formerly Invitae), Labcorp
Classification: Uncertain significance for Emery-Dreifuss muscular dystrophy 5, autosomal dominant. Last evaluated: 2024-09-10. Review status: criteria provided, single submitter. Criteria: Invitae Variant Classification Sherloc (09022015). Collection method: clinical testing. Allele origin: germline.
Comment: This sequence change replaces glutamine, which is neutral and polar, with glutamic acid, which is acidic and polar, at codon 1893 of the SYNE2 protein (p.Gln1893Glu). This variant is present in population databases (no rsID available, gnomAD 0.0009%). This variant has not been reported in the literature in individuals affected with SYNE2-related conditions. ClinVar contains an entry for this variant (Variation ID: 968879). An algorithm developed to predict the effect of missense changes on protein structure and function (PolyPhen-2) suggests that this variant is likely to be disruptive. In summary, the available evidence is currently insufficient to determine the role of this variant in disease. Therefore, it has been classified as a Variant of Uncertain Significance.

NM_182914.3(SYNE2):c.5677C>G (p.Gln1893Glu)

Gene: SYNE2 (spectrin repeat containing nuclear envelope protein 2; plus strand). Cytogenetic location: 14q23.2.
Variant type: single nucleotide variant.
Coding change: c.5677C>G on transcript NM_182914.3 (MANE Select); coding-DNA position 5677, C replaced by G.
Protein change: p.Gln1893Glu; replaces glutamine 1893 with glutamic acid.
Molecular consequence: missense variant.
Genome position (GRCh38, 1-based): chr14:64,024,296, C>G. VCF-style: chr14-64024296-C-G. GRCh37 (hg19) VCF-style: chr14-64491014-C-G.
Other names: c.5677C>G, p.Gln1893Glu (NM_015180.6); short protein forms Q1893E.
Identifiers: ClinVar variation 968879 (VCV000968879.6), dbSNP rs1170718601, ClinGen allele CA389943516.